The following is an entry in ClinVar:

ClinVar aggregate classification (germline): Uncertain significance. Review status: criteria provided, multiple submitters, no conflicts (2 of 4 stars). 2 submissions from 2 submitters: Uncertain significance (2). Last evaluated 2025-09-03.

Conditions:
Hereditary spastic paraplegia 30. Identifiers: Orphanet 101010, MedGen C5235139, MONDO:0012476.
Neuropathy, hereditary sensory, type 2C. Also called: KIF1A-Related HSAN2 (HSAN2C); Hereditary sensory and autonomic neuropathy type IIC. Identifiers: Orphanet 970, MedGen C3280168, MONDO:0013634, OMIM 614213.
Intellectual disability, autosomal dominant 9 (NESCAVS). Also called: NESCAV SYNDROME; KIF1A-Related Neurodevelopmental Disorder. Identifiers: Orphanet 662367, MedGen C5393830, MONDO:0013656, OMIM 614255.

Allele frequency attached by ClinVar (database versions not stated): gnomAD exomes below 0.00001; ExAC 0.00001.

Submissions (2):

Labcorp Genetics (formerly Invitae), Labcorp
Classification: Uncertain significance for Hereditary spastic paraplegia 30; Neuropathy, hereditary sensory, type 2C; Intellectual disability, autosomal dominant 9. Last evaluated: 2025-09-03. Review status: criteria provided, single submitter. Criteria: Invitae Variant Classification Sherloc (09022015). Collection method: clinical testing. Allele origin: germline.
Comment: This sequence change replaces arginine, which is basic and polar, with cysteine, which is neutral and slightly polar, at codon 370 of the KIF1A protein (p.Arg370Cys). This variant is present in population databases (rs750240846, gnomAD 0.003%). This missense change has been observed in individual(s) with clinical features of KIF1A-related conditions (PMID: 34487232, 36284339). ClinVar contains an entry for this variant (Variation ID: 652511). Invitae Evidence Modeling of protein sequence and biophysical properties (such as structural, functional, and spatial information, amino acid conservation, physicochemical variation, residue mobility, and thermodynamic stability) indicates that this missense variant is expected to disrupt KIF1A protein function with a positive predictive value of 95%. Experimental studies have shown that this missense change affects KIF1A function (PMID: 36284339). In summary, the available evidence is currently insufficient to determine the role of this variant in disease. Therefore, it has been classified as a Variant of Uncertain Significance.

Blueprint Genetics
Classification: Uncertain significance. Last evaluated: 2020-12-14. Review status: criteria provided, single submitter. Criteria: ACMG Guidelines, 2015. Collection method: clinical testing. Allele origin: germline.

Literature cited by the submitters: PubMed 34487232 (cited by Labcorp Genetics (formerly Invitae), Labcorp); PubMed 36284339 (cited by Labcorp Genetics (formerly Invitae), Labcorp).

NM_001244008.2(KIF1A):c.1108C>T (p.Arg370Cys)

Gene: KIF1A (kinesin family member 1A; minus strand). Cytogenetic location: 2q37.3.
Variant type: single nucleotide variant.
Coding change: c.1108C>T on transcript NM_001244008.2 (MANE Select); coding-DNA position 1108, C replaced by T.
Protein change: p.Arg370Cys; replaces arginine 370 with cysteine.
Molecular consequence: missense variant.
Genome position (GRCh38, 1-based): chr2:240,773,186, G>A on the plus strand (C>T on the coding strand, the complement: KIF1A is on the minus strand). VCF-style: chr2-240773186-G-A. GRCh37 (hg19) VCF-style: chr2-241712603-G-A.
Other names: c.1108C>T, p.Arg370Cys (NM_001320705.2, NM_001330289.2, NM_001330290.2 and 20 more transcripts); short protein forms R370C.
Identifiers: ClinVar variation 652511 (VCV000652511.10), dbSNP rs750240846, ClinGen allele CA2208543.